The following is an entry in ClinVar:

ClinVar aggregate classification (germline): Uncertain significance (1 of 4 stars; one submission).

Conditions:
Wilson disease (WND). Also called: Wilson's disease. Identifiers: Orphanet 905, MedGen C0019202, MONDO:0010200, OMIM 277900. Disease mechanism: loss of function.

Submission:

Labcorp Genetics (formerly Invitae), Labcorp
Classification: Uncertain significance for Wilson disease. Last evaluated: 2023-10-27. Review status: criteria provided, single submitter. Criteria: Invitae Variant Classification Sherloc (09022015). Collection method: clinical testing. Allele origin: germline.
Comment: This sequence change replaces glutamine, which is neutral and polar, with histidine, which is basic and polar, at codon 538 of the ATP7B protein (p.Gln538His). This variant is not present in population databases (gnomAD no frequency). This variant has not been reported in the literature in individuals affected with ATP7B-related conditions. ClinVar contains an entry for this variant (Variation ID: 2101010). Advanced modeling of protein sequence and biophysical properties (such as structural, functional, and spatial information, amino acid conservation, physicochemical variation, residue mobility, and thermodynamic stability) performed at Invitae indicates that this missense variant is not expected to disrupt ATP7B protein function with a negative predictive value of 80%. In summary, the available evidence is currently insufficient to determine the role of this variant in disease. Therefore, it has been classified as a Variant of Uncertain Significance.

NM_000053.4(ATP7B):c.1614G>T (p.Gln538His)

Gene: ATP7B (ATPase copper transporting beta; minus strand). Cytogenetic location: 13q14.3.
Variant type: single nucleotide variant.
Coding change: c.1614G>T on transcript NM_000053.4 (MANE Select); coding-DNA position 1614, G replaced by T.
Protein change: p.Gln538His; replaces glutamine 538 with histidine.
Molecular consequence: missense variant.
Genome position (GRCh38, 1-based): chr13:51,968,537, C>A on the plus strand (G>T on the coding strand, the complement: ATP7B is on the minus strand). VCF-style: chr13-51968537-C-A. GRCh37 (hg19) VCF-style: chr13-52542673-C-A.
Other names: c.1614G>T, p.Gln538His (NM_001005918.3, NM_001330578.2, NM_001330579.2 and 26 more transcripts); c.1281G>T, p.Gln427His (NM_001243182.2); c.1581G>T, p.Gln527His (NM_001406514.1, NM_001406524.1); c.1518G>T, p.Gln506His (NM_001406517.1, NM_001406518.1, NM_001406536.1 and 3 more transcripts); c.1185G>T, p.Gln395His (NM_001406539.1); short protein forms Q427H, Q395H, Q538H, Q506H, Q527H.
Identifiers: ClinVar variation 2101010 (VCV002101010.4), dbSNP rs2547778720, ClinGen allele CA388033019.